The following is an entry in ClinVar:

ClinVar aggregate classification (germline): Uncertain significance (1 of 4 stars; one submission).

gnomAD v4.1: 5 of 1,613,474 alleles (0.00031%); highest among the groups gnomAD compares: African/African-American, 0.0027%; no homozygotes.

Submission:

Labcorp Genetics (formerly Invitae), Labcorp
Classification: Uncertain significance. Last evaluated: 2025-06-18. Review status: criteria provided, single submitter. Criteria: Invitae Variant Classification Sherloc (09022015). Collection method: clinical testing. Allele origin: germline.
Comment: This sequence change replaces tyrosine, which is neutral and polar, with cysteine, which is neutral and slightly polar, at codon 111 of the RP9 protein (p.Tyr111Cys). This variant is not present in population databases (gnomAD no frequency). This variant has not been reported in the literature in individuals affected with RP9-related conditions. An algorithm developed to predict the effect of missense changes on protein structure and function (PolyPhen-2) suggests that this variant is likely to be tolerated. In summary, the available evidence is currently insufficient to determine the role of this variant in disease. Therefore, it has been classified as a Variant of Uncertain Significance.

NM_203288.2(RP9):c.332A>G (p.Tyr111Cys)

Gene: RP9 (RP9 pre-mRNA splicing factor; minus strand). Cytogenetic location: 7p14.3.
Variant type: single nucleotide variant.
Coding change: c.332A>G on transcript NM_203288.2 (MANE Select); coding-DNA position 332, A replaced by G.
Protein change: p.Tyr111Cys; replaces tyrosine 111 with cysteine.
Molecular consequence: missense variant.
Genome position (GRCh38, 1-based): chr7:33,097,344, T>C on the plus strand (A>G on the coding strand, the complement: RP9 is on the minus strand). VCF-style: chr7-33097344-T-C. GRCh37 (hg19) VCF-style: chr7-33136956-T-C.
Other names: short protein forms Y111C.
Identifiers: ClinVar variation 4706622 (VCV004706622.1).